The following is an entry in ClinVar:

ClinVar aggregate classification (germline): Likely benign. Review status: criteria provided, multiple submitters, no conflicts (2 of 4 stars). 4 submissions from 4 submitters: Likely benign (4). Last evaluated 2026-08-02.

Conditions:
BRCA1-related disorder. Also called: BRCA1-related condition.
Hereditary breast ovarian cancer syndrome. Also called: Hereditary breast and/or ovarian cancer syndrome; Breast and ovarian cancer; BRCA1- and BRCA2-Associated Hereditary Breast and Ovarian Cancer; Hereditary breast and ovarian cancer syndrome (HBOC); Hereditary breast and ovarian cancer syndrome; Hereditary breast and ovarian cancer. Identifiers: Orphanet 145, MedGen C0677776, MeSH D061325, MONDO:0003582. Disease mechanism: loss of function.

Allele frequency attached by ClinVar (database versions not stated): gnomAD exomes below 0.00001; gnomAD 0.00001; TOPMed 0.00002.
gnomAD v4.1: 5 of 1,612,120 alleles (0.00031%); highest among the groups gnomAD compares: African/African-American, 0.0053%; no homozygotes.

Submissions (4):

PreventionGenetics, part of Exact Sciences
Classification: Likely benign for BRCA1-related condition. Last evaluated: 2026-08-02. Review status: criteria provided, single submitter. Criteria: ACMG Guidelines, 2015. Collection method: clinical testing. Allele origin: germline.
Comment: This variant is classified as likely benign based on ACMG/AMP sequence variant interpretation guidelines (Richards et al. 2015 PMID: 25741868, with internal and published modifications).

Labcorp Genetics (formerly Invitae), Labcorp
Classification: Likely benign for Hereditary breast ovarian cancer syndrome. Last evaluated: 2025-10-02. Review status: criteria provided, single submitter. Criteria: Invitae Variant Classification Sherloc (09022015). Collection method: clinical testing. Allele origin: germline.

Women's Health and Genetics/Laboratory Corporation of America, LabCorp
Classification: Likely benign. Last evaluated: 2024-12-11. Review status: criteria provided, single submitter. Criteria: LabCorp Variant Classification Summary - May 2015. Collection method: clinical testing. Allele origin: germline.

GeneDx
Classification: Likely benign. Last evaluated: 2017-06-26. Review status: criteria provided, single submitter. Criteria: GeneDx Variant Classification (06012015). Collection method: clinical testing. Allele origin: germline. Affected: yes.
Comment: This variant is considered likely benign or benign based on one or more of the following criteria: it is a conservative change, it occurs at a poorly conserved position in the protein, it is predicted to be benign by multiple in silico algorithms, and/or has population frequency not consistent with disease.

NM_007294.4(BRCA1):c.5075-18G>A

Gene: BRCA1 (BRCA1 DNA repair associated; minus strand). Cytogenetic location: 17q21.31.
Variant type: single nucleotide variant.
Coding change: c.5075-18G>A on transcript NM_007294.4 (MANE Select); 18 bases into the intron before coding-DNA position 5075, G replaced by A.
Molecular consequence: intron variant.
Genome position (GRCh38, 1-based): chr17:43,063,969, C>T on the plus strand (G>A on the coding strand, the complement: BRCA1 is on the minus strand). VCF-style: chr17-43063969-C-T. GRCh37 (hg19) VCF-style: chr17-41215986-C-T.
Other names: c.1622-18G>A (NM_001408458.1, NM_001408461.1, NM_001408464.1 and 7 more transcripts); c.4184-18G>A (NM_001407967.1); c.4694-18G>A (NM_001407959.1); c.4808-18G>A (NM_001407931.1, NM_001407932.1, NM_001407928.1 and 4 more transcripts); c.4931-18G>A (NM_001407747.1, NM_001407745.1, NM_001407737.1 and 21 more transcripts); c.4691-18G>A (NM_001407962.1, NM_001407960.1); c.1262-18G>A (NM_001408512.1); c.1385-18G>A (NM_001408510.1); and 73 more.
Identifiers: ClinVar variation 415565 (VCV000415565.18), dbSNP rs1060504564, ClinGen allele CA16615377.